The following is an entry in ClinVar:

NM_005422.4(TECTA):c.1631C>T (p.Thr544Ile)

Genes: TBCEL-TECTA (TBCEL-TECTA readthrough; plus strand), TECTA (tectorin alpha; plus strand). Cytogenetic location: 11q23.3.
Variant type: single nucleotide variant.
Coding change: c.1631C>T on transcript NM_005422.4 (MANE Select); coding-DNA position 1631, C replaced by T.
Protein change: p.Thr544Ile; replaces threonine 544 with isoleucine.
Molecular consequence: missense variant.
Genome position (GRCh38, 1-based): chr11:121,125,729, C>T. VCF-style: chr11-121125729-C-T. GRCh37 (hg19) VCF-style: chr11-120996438-C-T.
Other names: c.2588C>T, p.Thr863Ile (NM_001378761.1); short protein forms T544I, T863I.
Identifiers: ClinVar variation 1311544 (VCV001311544.3), dbSNP rs1215387450, ClinGen allele CA383012369.

ClinVar aggregate classification (germline): Uncertain significance (1 of 4 stars; one submission).

Allele frequency attached by ClinVar (database versions not stated): TOPMed below 0.00001.

Submission:

GeneDx
Classification: Uncertain significance. Last evaluated: 2025-06-30. Review status: criteria provided, single submitter. Criteria: GeneDx Variant Classification Process June 2021. Collection method: clinical testing. Allele origin: germline. Affected: yes.
Comment: Not observed at significant frequency in large population cohorts (gnomAD); In silico analysis supports that this missense variant has a deleterious effect on protein structure/function; Has not been previously published as pathogenic or benign to our knowledge; This variant is associated with the following publications: (PMID: 21520338, 31554319, 9590290)